The following is an entry in ClinVar:

NM_001145252.3(CFP):c.960G>A (p.Ser320=)

Gene: CFP (complement factor properdin; minus strand). Cytogenetic location: Xp11.23.
Variant type: single nucleotide variant.
Coding change: c.960G>A on transcript NM_001145252.3 (MANE Select); coding-DNA position 960, G replaced by A.
Protein change: p.Ser320=; no amino-acid change (serine 320 retained).
Molecular consequence: synonymous variant.
Genome position (GRCh38, 1-based): chrX:47,626,500, C>T on the plus strand (G>A on the coding strand, the complement: CFP is on the minus strand). VCF-style: chrX-47626500-C-T. GRCh37 (hg19) VCF-style: chrX-47485899-C-T.
Other names: c.960G>A, p.Ser320= (NM_002621.2).
Identifiers: ClinVar variation 1901872 (VCV001901872.6), dbSNP rs377699424, ClinGen allele CA10398869.

ClinVar aggregate classification (germline): Likely benign. Review status: criteria provided, multiple submitters, no conflicts (2 of 4 stars). 2 submissions from 2 submitters: Likely benign (2). Last evaluated 2025-02-17.

Conditions:
CFP-related disorder. Also called: CFP-related condition.

Allele frequency attached by ClinVar (database versions not stated): ExAC 0.00001; TOPMed 0.00001; ESP Exome Variant Server 0.00009.
gnomAD v4.1: 13 of 1,211,742 alleles (0.0011%); highest among the groups gnomAD compares: Middle Eastern, 0.023%; 1 homozygote.

Submissions (2):

PreventionGenetics, part of Exact Sciences
Classification: Likely benign for CFP-related condition. Last evaluated: 2025-02-17. Review status: criteria provided, single submitter. Criteria: ACMG Guidelines, 2015. Collection method: clinical testing. Allele origin: germline.
Comment: This variant is classified as likely benign based on ACMG/AMP sequence variant interpretation guidelines (Richards et al. 2015 PMID: 25741868, with internal and published modifications).

Labcorp Genetics (formerly Invitae), Labcorp
Classification: Likely benign. Last evaluated: 2024-07-21. Review status: criteria provided, single submitter. Criteria: Invitae Variant Classification Sherloc (09022015). Collection method: clinical testing. Allele origin: germline.